The following is an entry in ClinVar:

NM_003024.3(ITSN1):c.1554_1560del (p.Arg520fs)

Gene: ITSN1 (intersectin 1; plus strand). Cytogenetic location: 21q22.11.
Variant type: Deletion.
Coding change: c.1554_1560del on transcript NM_003024.3 (MANE Select); coding-DNA positions 1554 to 1560, 7 bases deleted (GTTGAGA; older notation c.1554_1560delGTTGAGA).
Protein change: p.Arg520fs; shifts the reading frame from arginine 520.
Molecular consequence: frameshift variant.
Genome position (GRCh38, 1-based): chr21:33,775,066-33,775,072, GTTGAGA deleted; deleting any 7 consecutive bases within chr21:33,775,062-33,775,072 gives the same sequence; the c. name uses the placement nearest the transcript's 3' end. VCF-style (leftmost placement, unchanged base first): chr21-33775061-AGAGAGTT-A. GRCh37 (hg19) VCF-style: chr21-35147365-AGAGAGTT-A.
Other names: c.1554_1560del, p.Arg520fs (NM_001331010.2, NM_001331011.2, NM_001001132.2 and 2 more transcripts); c.1443_1449del, p.Arg483fs (NM_001331012.2); short protein forms R520fs, R483fs.
Identifiers: ClinVar variation 5022864 (VCV005022864.1).

ClinVar aggregate classification (germline): Uncertain significance (1 of 4 stars; one submission).

Conditions:
Inborn genetic diseases. Identifiers: MedGen C0950123, MeSH D030342.

Submission:

Ambry Genetics
Classification: Uncertain significance for Inborn genetic diseases. Last evaluated: 2026-08-19. Review status: criteria provided, single submitter. Criteria: Ambry Variant Classification Scheme 2023. Collection method: clinical testing. Allele origin: germline.
Comment: The c.1554_1560delGTTGAGA (p.R520Pfs*31) alteration, located in exon 14 (coding exon 13) of the ITSN1 gene, consists of a deletion of 7 nucleotides from position 1554 to 1560, causing a translational frameshift with a predicted alternate stop codon after 31 amino acids. This variant is expected to result in loss of function by premature protein truncation or nonsense-mediated mRNA decay. This variant was not reported in population-based cohorts in the Genome Aggregation Database (gnomAD). Based on insufficient or conflicting evidence, the clinical significance of this alteration remains unclear.